The following is an entry in ClinVar:

ClinVar aggregate classification (germline): Benign/Likely benign. Review status: criteria provided, multiple submitters, no conflicts (2 of 4 stars). 6 submissions from 6 submitters: Benign (5); Likely benign (1). Last evaluated 2026-01-28.

Conditions:
Kostmann syndrome (SCN3). Also called: KOSTMANN DISEASE; Autosomal recessive severe congenital neutropenia type 3. Identifiers: Orphanet 99749, MedGen C5235141, MONDO:0012548, OMIM 610738.

Allele frequency attached by ClinVar (database versions not stated): gnomAD exomes 0.00198 and 0.00072; ExAC 0.00246; 1000 Genomes Project 30x 0.00578; 1000 Genomes Project 0.00639; TOPMed 0.00853; gnomAD 0.00777 and 0.00834; ESP Exome Variant Server 0.00930.

Submissions (6):

Labcorp Genetics (formerly Invitae), Labcorp
Classification: Benign for Kostmann syndrome. Last evaluated: 2026-01-28. Review status: criteria provided, single submitter. Criteria: Invitae Variant Classification Sherloc (09022015). Collection method: clinical testing. Allele origin: germline.

Women's Health and Genetics/Laboratory Corporation of America, LabCorp
Classification: Benign. Last evaluated: 2026-01-22. Review status: criteria provided, single submitter. Criteria: LabCorp Variant Classification Summary - May 2015. Collection method: clinical testing. Allele origin: germline.

ARUP Laboratories, Molecular Genetics and Genomics, ARUP Laboratories
Classification: Benign for Kostmann syndrome. Last evaluated: 2023-12-11. Review status: criteria provided, single submitter. Criteria: ARUP Molecular Germline Variant Investigation Process 2024. Collection method: clinical testing. Allele origin: germline.

Illumina Laboratory Services, Illumina
Classification: Benign for Kostmann syndrome. Last evaluated: 2018-01-13. Review status: criteria provided, single submitter. Criteria: ICSL Variant Classification Criteria 13 December 2019. Collection method: clinical testing. Allele origin: germline.
Comment: This variant was observed in the ICSL laboratory as part of a predisposition screen in an ostensibly healthy population. It had not been previously curated by ICSL or reported in the Human Gene Mutation Database (HGMD: prior to June 1st, 2018), and was therefore a candidate for classification through an automated scoring system. Utilizing variant allele frequency, disease prevalence and penetrance estimates, and inheritance mode, an automated score was calculated to assess if this variant is too frequent to cause the disease. Based on the score and internal cut-off values, a variant classified as benign is not then subjected to further curation. The score for this variant resulted in a classification of benign for this disease.

GeneDx
Classification: Benign. Last evaluated: 2015-03-03. Review status: criteria provided, single submitter. Criteria: GeneDx Variant Classification Process June 2021. Collection method: clinical testing. Allele origin: germline. Affected: yes.

PreventionGenetics, part of Exact Sciences
Classification: Likely benign. Review status: criteria provided, single submitter. Criteria: ACMG Guidelines, 2015. Collection method: clinical testing. Allele origin: germline.

NM_006118.4(HAX1):c.53+14C>T

Gene: HAX1 (HCLS1 associated protein X-1; plus strand). Cytogenetic location: 1q21.3.
Variant type: single nucleotide variant.
Coding change: c.53+14C>T on transcript NM_006118.4 (MANE Select); 14 bases into the intron after coding-DNA position 53, C replaced by T.
Molecular consequence: intron variant.
Genome position (GRCh38, 1-based): chr1:154,272,790, C>T. VCF-style: chr1-154272790-C-T. GRCh37 (hg19) VCF-style: chr1-154245266-C-T.
Other names: c.53+14C>T (NM_001018837.2).
Identifiers: ClinVar variation 259919 (VCV000259919.19), dbSNP rs115683875, ClinGen allele CA1127223.
Genomic context (GRCh38, chr1:154,272,790, plus strand): 5'-CTCTTTGATCTCTTCCGGGGCTTTTTCGGCTTTCCTGGACCTCGGAGGTGAGAGTAGGTC[C>T]GGCTCGGACAAGGGTGGGGGTCGTCTGAGGGGAGCTTGACCCCTACGTCTTATTTTTGGA-3'